The following is an entry in ClinVar:

ClinVar aggregate classification (germline): Pathogenic (1 of 4 stars; one submission).

Conditions:
Hyperinsulinemic hypoglycemia, familial, 1 (HHF1). Also called: HYPERINSULINISM, FAMILIAL, WITH PANCREATIC NESIDIOBLASTOSIS; HYPOGLYCEMIA, HYPERINSULINEMIC, OF INFANCY; NESIDIOBLASTOSIS OF PANCREAS; Persistent Hyperinsulinemia Hypoglycemia of Infancy; Persistent hyperinsulinemic hypoglycemia of infancy. Identifiers: Orphanet 276575, Orphanet 276598, MedGen C2931832, MONDO:0009734, OMIM 256450.

Submission:

Myriad Genetics, Inc.
Classification: Pathogenic for Hyperinsulinemic hypoglycemia, familial, 1. Last evaluated: 2024-05-25. Review status: criteria provided, single submitter. Criteria: Myriad Autosomal Dominant, Autosomal Recessive and X-Linked Classification Criteria (2023). Collection method: clinical testing. Allele origin: unknown.
Comment: NM_000352.3(ABCC8):c.1186dupT(Y396Lfs*3) is expected to be pathogenic in the context of familial hyperinsulinism, ABCC8-related. This variant is predicted to lead to an abnormal or absent protein product due to the creation of a premature termination codon in ABCC8, a gene where loss-of-function variants are known to be pathogenic. Please note: this variant was assessed in the context of healthy population screening.

NM_000352.6(ABCC8):c.1186dup (p.Tyr396fs)

Gene: ABCC8 (ATP binding cassette subfamily C member 8; minus strand). Cytogenetic location: 11p15.1.
Variant type: Duplication.
Coding change: c.1186dup on transcript NM_000352.6 (MANE Select); coding-DNA position 1186, one base duplicated (T; older notation c.1186dupT).
Protein change: p.Tyr396fs; shifts the reading frame from tyrosine 396.
Molecular consequence: frameshift variant. On other transcripts: non-coding transcript variant (1).
Genome position (GRCh38, 1-based): chr11:17,448,662, A duplicated on the plus strand (T on the coding strand, the reverse complement: ABCC8 is on the minus strand); the first of 3 consecutive A bases (chr11:17,448,662-17,448,664); duplicating any one gives the same sequence. VCF-style (leftmost placement, unchanged base first): chr11-17448661-T-TA. GRCh37 (hg19) VCF-style: chr11-17470208-T-TA.
Other names: c.1186dup, p.Tyr396fs (NM_001287174.3, NM_001351295.2); c.1183dup, p.Tyr395fs (NM_001351296.2, NM_001351297.2); short protein forms Y395fs, Y396fs.
Identifiers: ClinVar variation 5013116 (VCV005013116.1).
Genomic context (GRCh38, chr11:17,448,661, plus strand): 5'-TGTCCAGCAGTCATTTCTCCCATGGACAGGTTGGAGGTGGACAGGTGCATAATTTTATTG[T>TA]AAATCTTGGTCTAGAAATGAGAGCAGAGTGTTTCACATTCATCATCATTCTCATCATCAT-3'